The following is an entry in ClinVar:

NM_001846.4(COL4A2):c.2591T>C (p.Leu864Pro)

Gene: COL4A2 (collagen type IV alpha 2 chain; plus strand). Cytogenetic location: 13q34.
Variant type: single nucleotide variant.
Coding change: c.2591T>C on transcript NM_001846.4 (MANE Select); coding-DNA position 2591, T replaced by C.
Protein change: p.Leu864Pro; replaces leucine 864 with proline.
Molecular consequence: missense variant.
Genome position (GRCh38, 1-based): chr13:110,480,223, T>C. VCF-style: chr13-110480223-T-C. GRCh37 (hg19) VCF-style: chr13-111132570-T-C.
Other names: short protein forms L864P.
Identifiers: ClinVar variation 3893417 (VCV003893417.2).

ClinVar aggregate classification (germline): Uncertain significance (1 of 4 stars; one submission).

gnomAD v4.1: 1 of 1,598,060 alleles (0.000063%); highest among the groups gnomAD compares: Non-Finnish European, 0.000085%; no homozygotes.

Submission:

GeneDx
Classification: Uncertain significance. Last evaluated: 2026-09-25. Review status: criteria provided, single submitter. Criteria: GeneDx Variant Classification Process June 2021. Collection method: clinical testing. Allele origin: germline.
Comment: Not observed at significant frequency in large population cohorts (gnomAD); Occurs in the triple helical domain at the X position in the canonical Gly-X-Y repeat; although this variant may have an effect on normal protein folding and function, missense substitution at the X position is not a common mechanism of disease (HGMD); In silico analysis suggests that this missense variant does not alter protein structure/function; Has not been previously published as pathogenic or benign to our knowledge